The following is an entry in ClinVar:

ClinVar aggregate classification (germline): Uncertain significance (0 of 4 stars; one submission).

Conditions:
Breast ductal adenocarcinoma. Also called: Ductal breast carcinoma; Breast cancer, invasive ductal. Identifiers: MedGen C1527349, MONDO:0005590.

Submission:

Next Generation Diagnostics, Novartis Institutes for BioMedical Research, Inc.
Classification: Uncertain significance for Breast ductal adenocarcinoma. Last evaluated: 2015-07-20. Review status: no assertion criteria provided. Collection method: research. Allele origin: somatic. Affected: yes.
Comment: Loss of heterozygosity

chr20:61880169-61908597 complex variant

Genes: ARFGAP1 (ARF GTPase activating protein 1; plus strand), NKAIN4 (sodium/potassium transporting ATPase interacting 4; minus strand). Cytogenetic location: 20q13.33.
Variant type: Complex.
Identifiers: ClinVar variation 221371 (VCV000221371.2).